The following is an entry in ClinVar:

NM_177438.3(DICER1):c.2343A>C (p.Leu781Phe)

Gene: DICER1 (dicer 1, ribonuclease III; minus strand). Cytogenetic location: 14q32.13.
Variant type: single nucleotide variant.
Coding change: c.2343A>C on transcript NM_177438.3 (MANE Select); coding-DNA position 2343, A replaced by C.
Protein change: p.Leu781Phe; replaces leucine 781 with phenylalanine.
Molecular consequence: missense variant. On other transcripts: non-coding transcript variant (6).
Genome position (GRCh38, 1-based): chr14:95,108,417, T>G on the plus strand (A>C on the coding strand, the complement: DICER1 is on the minus strand). VCF-style: chr14-95108417-T-G. GRCh37 (hg19) VCF-style: chr14-95574754-T-G.
Other names: c.2343A>C, p.Leu781Phe (NM_001195573.1, NM_001271282.3, NM_001291628.2 and 13 more transcripts); c.2061A>C, p.Leu687Phe (NM_001395686.1); c.1938A>C, p.Leu646Phe (NM_001395687.1, NM_001395688.1, NM_001395689.1 and 2 more transcripts); c.1776A>C, p.Leu592Phe (NM_001395691.1); c.660A>C, p.Leu220Phe (NM_001395697.1); short protein forms L592F, L646F, L220F, L687F, L781F.
Identifiers: ClinVar variation 2701381 (VCV002701381.3), dbSNP rs2542854752, ClinGen allele CA390882251.

ClinVar aggregate classification (germline): Uncertain significance (1 of 4 stars; one submission).

Conditions:
DICER1-related tumor predisposition. Also called: DICER1-related pleuropulmonary blastoma cancer predisposition syndrome; DICER1 syndrome. Identifiers: Orphanet 284343, MedGen C3839822, MONDO:0100216.

Submission:

Labcorp Genetics (formerly Invitae), Labcorp
Classification: Uncertain significance for DICER1-related tumor predisposition. Last evaluated: 2023-12-08. Review status: criteria provided, single submitter. Criteria: Invitae Variant Classification Sherloc (09022015). Collection method: clinical testing. Allele origin: germline.
Comment: This sequence change replaces leucine, which is neutral and non-polar, with phenylalanine, which is neutral and non-polar, at codon 781 of the DICER1 protein (p.Leu781Phe). This variant is not present in population databases (gnomAD no frequency). This variant has not been reported in the literature in individuals affected with DICER1-related conditions. Advanced modeling of protein sequence and biophysical properties (such as structural, functional, and spatial information, amino acid conservation, physicochemical variation, residue mobility, and thermodynamic stability) performed at Invitae indicates that this missense variant is not expected to disrupt DICER1 protein function with a negative predictive value of 80%. In summary, the available evidence is currently insufficient to determine the role of this variant in disease. Therefore, it has been classified as a Variant of Uncertain Significance.